The following is an entry in ClinVar:

ClinVar aggregate classification (germline): Uncertain significance (1 of 4 stars; one submission).

Allele frequency attached by ClinVar (database versions not stated): gnomAD exomes below 0.00001; gnomAD 0.00001.
gnomAD v4.1: 4 of 1,613,970 alleles (0.00025%); highest among the groups gnomAD compares: Non-Finnish European, 0.00034%; no homozygotes.

Submission:

Ambry Genetics
Classification: Uncertain significance. Last evaluated: 2022-12-31. Review status: criteria provided, single submitter. Criteria: Ambry Variant Classification Scheme 2023. Collection method: clinical testing. Allele origin: germline.
Comment: The p.R857C variant (also known as c.2569C>T), located in coding exon 24 of the KIF1B gene, results from a C to T substitution at nucleotide position 2569. The arginine at codon 857 is replaced by cysteine, an amino acid with highly dissimilar properties. This amino acid position is well conserved in available vertebrate species. In addition, the in silico prediction for this alteration is inconclusive. Since supporting evidence is limited at this time, the clinical significance of this alteration remains unclear.

NM_001365951.3(KIF1B):c.2707C>T (p.Arg903Cys)

Genes: KIF1B (kinesin family member 1B; plus strand), LOC126805614 (BRD4-independent group 4 enhancer GRCh37_chr1:10385546-10386745; plus strand). Cytogenetic location: 1p36.22.
Variant type: single nucleotide variant.
Coding change: c.2707C>T on transcript NM_001365951.3 (MANE Select); coding-DNA position 2707, C replaced by T.
Protein change: p.Arg903Cys; replaces arginine 903 with cysteine.
Molecular consequence: missense variant.
Genome position (GRCh38, 1-based): chr1:10,326,142, C>T. VCF-style: chr1-10326142-C-T. GRCh37 (hg19) VCF-style: chr1-10386200-C-T.
Other names: c.2707C>T, p.Arg903Cys (NM_001365952.1); c.2569C>T, p.Arg857Cys (NM_015074.3); short protein forms R857C, R903C.
Identifiers: ClinVar variation 1793194 (VCV001793194.3), dbSNP rs868254486, ClinGen allele CA17836818.